The following is an entry in ClinVar:

ClinVar aggregate classification (germline): Uncertain significance (1 of 4 stars; one submission).

Conditions:
Hereditary cancer-predisposing syndrome. Also called: Neoplastic Syndromes, Hereditary; Tumor predisposition; Hereditary Cancer Syndrome; Hereditary neoplastic syndrome. Identifiers: Orphanet 140162, MedGen C0027672, MeSH D009386, MONDO:0015356.

Submission:

Ambry Genetics
Classification: Uncertain significance for Hereditary cancer-predisposing syndrome. Last evaluated: 2023-05-15. Review status: criteria provided, single submitter. Criteria: Ambry Variant Classification Scheme 2023. Collection method: clinical testing. Allele origin: germline.
Comment: The p.H109N variant (also known as c.325C>A), located in coding exon 2 of the FLCN gene, results from a C to A substitution at nucleotide position 325. The histidine at codon 109 is replaced by asparagine, an amino acid with similar properties. This amino acid position is highly conserved in available vertebrate species. In addition, the in silico prediction for this alteration is inconclusive. Since supporting evidence is limited at this time, the clinical significance of this alteration remains unclear.

NM_144997.7(FLCN):c.325C>A (p.His109Asn)

Gene: FLCN (folliculin; minus strand). Cytogenetic location: 17p11.2.
Variant type: single nucleotide variant.
Coding change: c.325C>A on transcript NM_144997.7 (MANE Select); coding-DNA position 325, C replaced by A.
Protein change: p.His109Asn; replaces histidine 109 with asparagine.
Molecular consequence: missense variant.
Genome position (GRCh38, 1-based): chr17:17,226,247, G>T on the plus strand (C>A on the coding strand, the complement: FLCN is on the minus strand). VCF-style: chr17-17226247-G-T. GRCh37 (hg19) VCF-style: chr17-17129561-G-T.
Other names: c.325C>A, p.His109Asn (NM_001353229.2, NM_001353230.2, NM_001353231.2 and 1 more transcripts); short protein forms H109N.
Identifiers: ClinVar variation 1729508 (VCV001729508.3), dbSNP rs2047244929, ClinGen allele CA398534835.